The following is an entry in ClinVar:

ClinVar aggregate classification (germline): Likely benign (1 of 4 stars; one submission).

Allele frequency attached by ClinVar (database versions not stated): gnomAD exomes 0.00017; ExAC 0.00035; 1000 Genomes Project 30x 0.00125; gnomAD 0.00135; ESP Exome Variant Server 0.00136; 1000 Genomes Project 0.00140; TOPMed 0.00149.
gnomAD v4.1: 454 of 1,612,166 alleles (0.028%); highest among the groups gnomAD compares: African/African-American, 0.47%; 3 homozygotes.

Submission:

CeGaT Center for Human Genetics Tuebingen
Classification: Likely benign. Last evaluated: 2022-05-01. Review status: criteria provided, single submitter. Criteria: CeGaT Center For Human Genetics Tuebingen Variant Classification Criteria Version 2. Collection method: clinical testing. Allele origin: germline. Affected: yes. Observed: 2 variant alleles.
Comment: CEP170B: BP4, BP7

NM_001112726.3(CEP170B):c.3159C>T (p.Ala1053=)

Gene: CEP170B (centrosomal protein 170B; plus strand). Cytogenetic location: 14q32.33.
Variant type: single nucleotide variant.
Coding change: c.3159C>T on transcript NM_001112726.3 (MANE Select); coding-DNA position 3159, C replaced by T.
Protein change: p.Ala1053=; no amino-acid change (alanine 1053 retained).
Molecular consequence: synonymous variant.
Genome position (GRCh38, 1-based): chr14:104,887,398, C>T. VCF-style: chr14-104887398-C-T. GRCh37 (hg19) VCF-style: chr14-105353735-C-T.
Other names: c.2949C>T, p.Ala983= (NM_015005.3).
Identifiers: ClinVar variation 2644626 (VCV002644626.24), dbSNP rs370320231, ClinGen allele CA7376069.
Genomic context (GRCh38, chr14:104,887,398, plus strand): 5'-TGGCCACAGGCCCCGAGGGTCCCTGGATTGGCCCAGTGAGGAGCGTGGCCCTGTCCTCGC[C>T]CACCTACCCAGCTCAGATGTGATGGCCTCCAACCACGAAACCCCTGAGGCCACCGGGGCA-3'
Protein context (NP_001106197.1, residues 1043-1063): WPSEERGPVL[Ala1053=]HLPSSDVMAS